The following is an entry in ClinVar:

NM_000038.6(APC):c.3970C>A (p.Pro1324Thr)

Gene: APC (APC regulator of Wnt signaling pathway; plus strand). Cytogenetic location: 5q22.2.
Variant type: single nucleotide variant.
Coding change: c.3970C>A on transcript NM_000038.6 (MANE Select); coding-DNA position 3970, C replaced by A.
Protein change: p.Pro1324Thr; replaces proline 1324 with threonine.
Molecular consequence: missense variant.
Genome position (GRCh38, 1-based): chr5:112,839,564, C>A. VCF-style: chr5-112839564-C-A. GRCh37 (hg19) VCF-style: chr5-112175261-C-A.
Other names: c.3886C>A, p.Pro1296Thr (NM_001354899.2); c.3847C>A, p.Pro1283Thr (NM_001354900.2); c.3793C>A, p.Pro1265Thr (NM_001354901.2); c.3697C>A, p.Pro1233Thr (NM_001354902.2); c.3667C>A, p.Pro1223Thr (NM_001354903.2); c.3592C>A, p.Pro1198Thr (NM_001354904.2); c.3490C>A, p.Pro1164Thr (NM_001354905.2); c.3121C>A, p.Pro1041Thr (NM_001354906.2); and 6 more; short protein forms P1041T, P1164T, P1198T, P1223T, P1233T, P1265T, P1283T, P1296T.
Identifiers: ClinVar variation 1007694 (VCV001007694.49), dbSNP rs587779792, ClinGen allele CA16030039.

ClinVar aggregate classification (germline): Uncertain significance. Review status: criteria provided, multiple submitters, no conflicts (2 of 4 stars). 2 submissions from 2 submitters: Uncertain significance (2). Last evaluated 2026-01-11.

Conditions:
Hereditary cancer-predisposing syndrome. Also called: Hereditary Cancer Syndrome; Neoplastic Syndromes, Hereditary; Tumor predisposition; Hereditary neoplastic syndrome. Identifiers: Orphanet 140162, MedGen C0027672, MeSH D009386, MONDO:0015356.
Familial adenomatous polyposis 1 (FAP1). Also called: FAMILIAL ADENOMATOUS POLYPOSIS 1, ATTENUATED; POLYPOSIS, ADENOMATOUS INTESTINAL. Identifiers: MedGen C2713442, MONDO:0021056, OMIM 175100. Disease mechanism: loss of function.

Submissions (2):

Ambry Genetics
Classification: Uncertain significance for Hereditary cancer-predisposing syndrome. Last evaluated: 2026-01-11. Review status: criteria provided, single submitter. Criteria: Ambry Variant Classification Scheme 2023. Collection method: clinical testing. Allele origin: germline.
Comment: The p.P1324T variant (also known as c.3970C>A), located in coding exon 15 of the APC gene, results from a C to A substitution at nucleotide position 3970. The proline at codon 1324 is replaced by threonine, an amino acid with highly similar properties. This amino acid position is conserved. In addition, in silico predictors for this gene do not accurately predict pathogenicity. Based on the available evidence, the clinical significance of this variant remains unclear.

Labcorp Genetics (formerly Invitae), Labcorp
Classification: Uncertain significance for Familial adenomatous polyposis 1. Last evaluated: 2020-01-23. Review status: criteria provided, single submitter. Criteria: Invitae Variant Classification Sherloc (09022015). Collection method: clinical testing. Allele origin: germline.
Comment: This sequence change replaces proline with threonine at codon 1324 of the APC protein (p.Pro1324Thr). The proline residue is highly conserved and there is a small physicochemical difference between proline and threonine. In summary, the available evidence is currently insufficient to determine the role of this variant in disease. Therefore, it has been classified as a Variant of Uncertain Significance. Algorithms developed to predict the effect of missense changes on protein structure and function (SIFT, PolyPhen-2, Align-GVGD) all suggest that this variant is likely to be tolerated, but these predictions have not been confirmed by published functional studies and their clinical significance is uncertain. This variant has not been reported in the literature in individuals with APC-related conditions. This variant is not present in population databases (ExAC no frequency).